The following is an entry in ClinVar:

NM_000179.3(MSH6):c.3403C>A (p.Pro1135Thr)

Gene: MSH6 (mutS homolog 6; plus strand). Cytogenetic location: 2p16.3.
Variant type: single nucleotide variant.
Coding change: c.3403C>A on transcript NM_000179.3 (MANE Select); coding-DNA position 3403, C replaced by A.
Protein change: p.Pro1135Thr; replaces proline 1135 with threonine.
Molecular consequence: missense variant.
Genome position (GRCh38, 1-based): chr2:47,803,650, C>A. VCF-style: chr2-47803650-C-A. GRCh37 (hg19) VCF-style: chr2-48030789-C-A.
Other names: c.3013C>A, p.Pro1005Thr (NM_001281492.2); c.2497C>A, p.Pro833Thr (NM_001281493.2, NM_001281494.2); short protein forms P1005T, P833T, P1135T.
Identifiers: ClinVar variation 1523135 (VCV001523135.6), dbSNP rs1553331733, ClinGen allele CA346758879.
Genomic context (GRCh38, chr2:47,803,650, plus strand): 5'-ATAGGCTGTGAGGAAGAGGAGCAGGAAAATGGCAAAGCCTATTGTGTGCTTGTTACTGGA[C>A]CAAATATGGGGGGCAAGTCTACGCTTATGAGACAGGTAACTGATTCTTAAAGTTTTGTTA-3'
Protein context (NP_000170.1, residues 1125-1145): GKAYCVLVTG[Pro1135Thr]NMGGKSTLMR

ClinVar aggregate classification (germline): Uncertain significance (1 of 4 stars; one submission).

Conditions:
Hereditary nonpolyposis colorectal neoplasms. Identifiers: MedGen C0009405, MeSH D003123.

Submission:

Labcorp Genetics (formerly Invitae), Labcorp
Classification: Uncertain significance for Hereditary nonpolyposis colorectal neoplasms. Last evaluated: 2025-05-05. Review status: criteria provided, single submitter. Criteria: Invitae Variant Classification Sherloc (09022015). Collection method: clinical testing. Allele origin: germline.
Comment: This sequence change replaces proline, which is neutral and non-polar, with threonine, which is neutral and polar, at codon 1135 of the MSH6 protein (p.Pro1135Thr). This variant is not present in population databases (gnomAD no frequency). This variant has not been reported in the literature in individuals affected with MSH6-related conditions. ClinVar contains an entry for this variant (Variation ID: 1523135). Invitae Evidence Modeling of protein sequence and biophysical properties (such as structural, functional, and spatial information, amino acid conservation, physicochemical variation, residue mobility, and thermodynamic stability) has been performed for this missense variant. However, the output from this modeling did not meet the statistical confidence thresholds required to predict the impact of this variant on MSH6 protein function. In summary, the available evidence is currently insufficient to determine the role of this variant in disease. Therefore, it has been classified as a Variant of Uncertain Significance.